The following is an entry in ClinVar:

NM_000202.8(IDS):c.84G>T (p.Thr28=)

Genes: IDS (iduronate 2-sulfatase; minus strand), LOC130068781 (ATAC-STARR-seq lymphoblastoid active region 30015; plus strand). Cytogenetic location: Xq28.
Variant type: single nucleotide variant.
Coding change: c.84G>T on transcript NM_000202.8 (MANE Select); coding-DNA position 84, G replaced by T.
Protein change: p.Thr28=; no amino-acid change (threonine 28 retained).
Molecular consequence: synonymous variant. On other transcripts: 5 prime UTR variant (1), non-coding transcript variant (1).
Genome position (GRCh38, 1-based): chrX:149,505,054, C>A on the plus strand (G>T on the coding strand, the complement: IDS is on the minus strand). VCF-style: chrX-149505054-C-A. GRCh37 (hg19) VCF-style: chrX-148586584-C-A.
Other names: c.-143G>T (NM_001166550.4); c.84G>T, p.Thr28= (NM_006123.5).
Identifiers: ClinVar variation 1597555 (VCV001597555.24), dbSNP rs1194554189, ClinGen allele CA519062926.

ClinVar aggregate classification (germline): Likely benign. Review status: criteria provided, multiple submitters, no conflicts (2 of 4 stars). 3 submissions from 3 submitters: Likely benign (3). Last evaluated 2024-10-01.

Conditions:
Inborn genetic diseases. Identifiers: MedGen C0950123, MeSH D030342.
Mucopolysaccharidosis, MPS-II (MPS2). Also called: Mucopolysaccharidosis type 2; Hunter Syndrome; IDURONATE 2-SULFATASE DEFICIENCY; Mucopolysaccharidosis Type II; IDS deficiency; Sulfoiduronate sulfatase deficiency. Identifiers: Orphanet 580, Orphanet 79388, MedGen C0026705, MONDO:0010674, OMIM 309900.

Allele frequency attached by ClinVar (database versions not stated): TOPMed 0.00001.
gnomAD v4.1: 13 of 1,207,807 alleles (0.0011%); highest among the groups gnomAD compares: Non-Finnish European, 0.0015%; no homozygotes.

Submissions (3):

CeGaT Center for Human Genetics Tuebingen
Classification: Likely benign. Last evaluated: 2024-10-01. Review status: criteria provided, single submitter. Criteria: CeGaT Center For Human Genetics Tuebingen Variant Classification Criteria Version 2. Collection method: clinical testing. Allele origin: germline. Affected: yes. Observed: 1 variant allele.
Comment: IDS: BP4, BP7, BS2

Labcorp Genetics (formerly Invitae), Labcorp
Classification: Likely benign for Mucopolysaccharidosis, MPS-II. Last evaluated: 2024-02-24. Review status: criteria provided, single submitter. Criteria: Invitae Variant Classification Sherloc (09022015). Collection method: clinical testing. Allele origin: germline.

Ambry Genetics
Classification: Likely benign for Inborn genetic diseases. Last evaluated: 2020-12-09. Review status: criteria provided, single submitter. Criteria: Ambry Variant Classification Scheme 2023. Collection method: clinical testing. Allele origin: germline.